The following is an entry in ClinVar:

ClinVar aggregate classification (germline): Uncertain significance (1 of 4 stars; one submission).

Conditions:
Oligodontia-cancer predisposition syndrome. Also called: TOOTH AGENESIS-COLORECTAL CANCER SYNDROME. Identifiers: Orphanet 300576, MedGen C1837750, MONDO:0012075, OMIM 608615. Disease mechanism: loss of function.

gnomAD v4.1: 1 of 1,607,626 alleles (0.000062%); highest among the groups gnomAD compares: Non-Finnish European, 0.000085%; no homozygotes.

Submission:

Labcorp Genetics (formerly Invitae), Labcorp
Classification: Uncertain significance for Oligodontia-cancer predisposition syndrome. Last evaluated: 2022-09-23. Review status: criteria provided, single submitter. Criteria: Invitae Variant Classification Sherloc (09022015). Collection method: clinical testing. Allele origin: germline.
Comment: This sequence change replaces methionine, which is neutral and non-polar, with leucine, which is neutral and non-polar, at codon 5 of the AXIN2 protein (p.Met5Leu). This variant is not present in population databases (gnomAD no frequency). This variant has not been reported in the literature in individuals affected with AXIN2-related conditions. Algorithms developed to predict the effect of missense changes on protein structure and function (SIFT, PolyPhen-2, Align-GVGD) all suggest that this variant is likely to be tolerated. In summary, the available evidence is currently insufficient to determine the role of this variant in disease. Therefore, it has been classified as a Variant of Uncertain Significance.

NM_004655.4(AXIN2):c.13A>C (p.Met5Leu)

Gene: AXIN2 (axin 2; minus strand). Cytogenetic location: 17q24.1.
Variant type: single nucleotide variant.
Coding change: c.13A>C on transcript NM_004655.4 (MANE Select); coding-DNA position 13, A replaced by C.
Protein change: p.Met5Leu; replaces methionine 5 with leucine.
Molecular consequence: missense variant.
Genome position (GRCh38, 1-based): chr17:65,558,608, T>G on the plus strand (A>C on the coding strand, the complement: AXIN2 is on the minus strand). VCF-style: chr17-65558608-T-G. GRCh37 (hg19) VCF-style: chr17-63554726-T-G.
Other names: c.13A>C, p.Met5Leu (NM_001363813.1); short protein forms M5L.
Identifiers: ClinVar variation 2185201 (VCV002185201.4), dbSNP rs148691166, ClinGen allele CA400682496.